The following is an entry in ClinVar:

ClinVar aggregate classification (germline): Likely benign (1 of 4 stars; one submission).

Conditions:
CPE-related disorder. Also called: CPE-related condition.

gnomAD v4.1: 2 of 1,602,244 alleles (0.00012%); highest among the groups gnomAD compares: African/African-American, 0.0027%; no homozygotes.

Submission:

PreventionGenetics, part of Exact Sciences
Classification: Likely benign for CPE-related condition. Last evaluated: 2025-08-20. Review status: criteria provided, single submitter. Criteria: ACMG Guidelines, 2015. Collection method: clinical testing. Allele origin: germline.
Comment: This variant is classified as likely benign based on ACMG/AMP sequence variant interpretation guidelines (Richards et al. 2015 PMID: 25741868, with internal and published modifications).

NM_001873.4(CPE):c.265C>T (p.Leu89=)

Gene: CPE (carboxypeptidase E; plus strand). Cytogenetic location: 4q32.3.
Variant type: single nucleotide variant.
Coding change: c.265C>T on transcript NM_001873.4 (MANE Select); coding-DNA position 265, C replaced by T.
Protein change: p.Leu89=; no amino-acid change (leucine 89 retained).
Molecular consequence: synonymous variant.
Genome position (GRCh38, 1-based): chr4:165,379,486, C>T. VCF-style: chr4-165379486-C-T. GRCh37 (hg19) VCF-style: chr4-166300638-C-T.
Identifiers: ClinVar variation 4990796 (VCV004990796.1).